The following is an entry in ClinVar:

ClinVar aggregate classification (germline): Benign (0 of 4 stars; one submission).

Conditions:
QRICH2-related disorder. Also called: QRICH2-related condition.

Allele frequency attached by ClinVar (database versions not stated): 1000 Genomes Project 30x 0.00671; 1000 Genomes Project 0.00699; ExAC 0.01589; gnomAD 0.01647; TOPMed 0.01740; ESP Exome Variant Server 0.02068.
gnomAD v4.1: 40,545 of 1,605,468 alleles (2.5%); highest among the groups gnomAD compares: Non-Finnish European, 3.1%; 619 homozygotes.

Submission:

PreventionGenetics, part of Exact Sciences
Classification: Benign for QRICH2-related condition. Last evaluated: 2019-05-15. Review status: no assertion criteria provided. Collection method: clinical testing. Allele origin: germline.
Comment: This variant is classified as benign based on ACMG/AMP sequence variant interpretation guidelines (Richards et al. 2015 PMID: 25741868, with internal and published modifications).

NM_001388453.1(QRICH2):c.3712+9C>T

Gene: QRICH2 (glutamine rich 2; minus strand). Cytogenetic location: 17q25.1.
Variant type: single nucleotide variant.
Coding change: c.3712+9C>T on transcript NM_001388453.1 (MANE Select); 9 bases into the intron after coding-DNA position 3712, C replaced by T.
Molecular consequence: intron variant.
Genome position (GRCh38, 1-based): chr17:76,291,006, G>A on the plus strand (C>T on the coding strand, the complement: QRICH2 is on the minus strand). VCF-style: chr17-76291006-G-A. GRCh37 (hg19) VCF-style: chr17-74287087-G-A.
Other names: c.3712+9C>T (NM_032134.3).
Identifiers: ClinVar variation 3059391 (VCV003059391.2), dbSNP rs77693346, ClinGen allele CA8783775.